The following is an entry in ClinVar:

NM_021927.3(GUF1):c.1411G>T (p.Glu471Ter)

Gene: GUF1 (GTP binding elongation factor GUF1; plus strand). Cytogenetic location: 4p12.
Variant type: single nucleotide variant.
Coding change: c.1411G>T on transcript NM_021927.3 (MANE Select); coding-DNA position 1411, G replaced by T.
Protein change: p.Glu471Ter; replaces glutamic acid 471 with a stop codon.
Molecular consequence: nonsense.
Genome position (GRCh38, 1-based): chr4:44,690,792, G>T. VCF-style: chr4-44690792-G-T. GRCh37 (hg19) VCF-style: chr4-44692809-G-T.
Other names: c.439G>T, p.Glu147Ter (NM_001345867.2, NM_001345869.2); c.1411G>T, p.Glu471Ter (NM_001345868.2); short protein forms E147*, E471*.
Identifiers: ClinVar variation 3896112 (VCV003896112.1).
Genomic context (GRCh38, chr4:44,690,792, plus strand): 5'-GAAATTACAATTATCAATCCTGCACAATTCCCCGATAAATCAAAAGTAACAGAATATTTG[G>T]AGCCAGTTGTTTTGGGCACTATTATCACACCAGATGAATACACTGGAAAAATAATGATGC-3'

ClinVar aggregate classification (germline): Uncertain significance (1 of 4 stars; one submission).

Submission:

Women's Health and Genetics/Laboratory Corporation of America, LabCorp
Classification: Uncertain significance. Last evaluated: 2025-03-18. Review status: criteria provided, single submitter. Criteria: LabCorp Variant Classification Summary - May 2015. Collection method: clinical testing. Allele origin: germline.
Comment: Variant summary: GUF1 c.1411G>T (p.Glu471X) results in a premature termination codon, predicted to cause a truncation of the encoded protein or absence of the protein due to nonsense mediated decay, however current evidence is not sufficient to establish loss of function as a mechanism for disease. The variant was absent in 249652 control chromosomes. The available data on variant occurrences in the general population are insufficient to allow any conclusion about variant significance. To our knowledge, no occurrence of c.1411G>T in individuals affected with Early Infantile Epileptic Encephalopathy, 40 and no experimental evidence demonstrating its impact on protein function have been reported. No submitters have cited clinical-significance assessments for this variant to ClinVar. Based on the evidence outlined above, the variant was classified as uncertain significance.